The following is an entry in ClinVar:

NM_152384.3(BBS5):c.751A>G (p.Asn251Asp)

Gene: BBS5 (Bardet-Biedl syndrome 5; plus strand). Cytogenetic location: 2q31.1.
Variant type: single nucleotide variant.
Coding change: c.751A>G on transcript NM_152384.3 (MANE Select); coding-DNA position 751, A replaced by G.
Protein change: p.Asn251Asp; replaces asparagine 251 with aspartic acid.
Molecular consequence: missense variant.
Genome position (GRCh38, 1-based): chr2:169,499,555, A>G. VCF-style: chr2-169499555-A-G. GRCh37 (hg19) VCF-style: chr2-170356065-A-G.
Other names: short protein forms N251D.
Identifiers: ClinVar variation 412295 (VCV000412295.55), dbSNP rs143113298, ClinGen allele CA1956310.

ClinVar aggregate classification (germline): Conflicting classifications of pathogenicity. Review status: criteria provided, conflicting classifications (1 of 4 stars). 7 submissions from 7 submitters: Uncertain significance (4); Benign (1); Likely benign (2). Last evaluated 2025-12-16.

Conditions:
BBS5-related disorder. Also called: BBS5-related condition.
Bardet-Biedl syndrome (BBS). Identifiers: Orphanet 110, MedGen C0752166, MONDO:0015229.
Bardet-Biedl syndrome 5 (BBS5). Identifiers: Orphanet 110, MedGen C3892039, MONDO:0014434, OMIM 615983.
Intellectual disability. Also called: Intellectual functioning disability; intellectual disabilities; Intellectual developmental disorder. Identifiers: MedGen C3714756, MeSH D008607, MONDO:0001071, HP:0001249.

Allele frequency attached by ClinVar (database versions not stated): 1000 Genomes Project 0.00040; 1000 Genomes Project 30x 0.00062; gnomAD 0.00086 and 0.00090; TOPMed 0.00089; ESP Exome Variant Server 0.00092; gnomAD exomes 0.00107 and 0.00128; ExAC 0.00116.
gnomAD v4.1: 2,020 of 1,613,550 alleles (0.13%); highest among the groups gnomAD compares: Middle Eastern, 0.2%; 3 homozygotes.

Submissions (7):

PreventionGenetics, part of Exact Sciences
Classification: Likely benign for BBS5-related condition. Last evaluated: 2025-12-16. Review status: criteria provided, single submitter. Criteria: ACMG Guidelines, 2015. Collection method: clinical testing. Allele origin: germline.
Comment: This variant is classified as likely benign based on ACMG/AMP sequence variant interpretation guidelines (Richards et al. 2015 PMID: 25741868, with internal and published modifications).

Labcorp Genetics (formerly Invitae), Labcorp
Classification: Uncertain significance for Bardet-Biedl syndrome. Last evaluated: 2025-01-21. Review status: criteria provided, single submitter. Criteria: Invitae Variant Classification Sherloc (09022015). Collection method: clinical testing. Allele origin: germline.
Comment: This sequence change replaces asparagine, which is neutral and polar, with aspartic acid, which is acidic and polar, at codon 251 of the BBS5 protein (p.Asn251Asp). This variant is present in population databases (rs143113298, gnomAD 0.2%), and has an allele count higher than expected for a pathogenic variant. This missense change has been observed in individual(s) with Bardet-Biedl syndrome (PMID: 22626039). ClinVar contains an entry for this variant (Variation ID: 412295). Invitae Evidence Modeling of protein sequence and biophysical properties (such as structural, functional, and spatial information, amino acid conservation, physicochemical variation, residue mobility, and thermodynamic stability) indicates that this missense variant is not expected to disrupt BBS5 protein function with a negative predictive value of 80%. In summary, the available evidence is currently insufficient to determine the role of this variant in disease. Therefore, it has been classified as a Variant of Uncertain Significance.

Blueprint Genetics
Classification: Likely benign. Last evaluated: 2024-11-22. Review status: criteria provided, single submitter. Criteria: ACMG Guidelines, 2015. Collection method: clinical testing. Allele origin: germline.

Cambridge Genomics Laboratory, East Genomic Laboratory Hub, NHS Genomic Medicine Service
Classification: Benign for Intellectual disability. Last evaluated: 2020-03-30. Review status: criteria provided, single submitter. Criteria: ACGS Best Practice Guidelines for Variant Classification in Rare Disease 2020. Collection method: clinical testing. Allele origin: germline. Affected: yes. Observed: 1 variant allele.

CeGaT Center for Human Genetics Tuebingen
Classification: Uncertain significance. Last evaluated: 2019-11-01. Review status: criteria provided, single submitter. Criteria: CeGaT Center For Human Genetics Tuebingen Variant Classification Criteria Version 2. Collection method: clinical testing. Allele origin: germline. Affected: yes. Observed: 2 variant alleles.

Genetic Services Laboratory, University of Chicago
Classification: Uncertain significance. Last evaluated: 2019-03-13. Review status: criteria provided, single submitter. Criteria: ACMG Guidelines, 2015. Collection method: clinical testing. Allele origin: germline. Affected: no.

Fulgent Genetics
Classification: Uncertain significance for Bardet-Biedl syndrome 5. Last evaluated: 2018-10-31. Review status: criteria provided, single submitter. Criteria: ACMG Guidelines, 2015. Collection method: clinical testing. Allele origin: unknown.

Literature cited by the submitters: PubMed 22626039 (cited by Labcorp Genetics (formerly Invitae), Labcorp).